The following is an entry in ClinVar:

ClinVar aggregate classification (germline): Benign (1 of 4 stars; one submission).

Submission:

Unidad de Genómica Garrahan, Hospital de Pediatría Garrahan
Classification: Benign. Last evaluated: 2023-11-14. Review status: criteria provided, single submitter. Criteria: ACMG Guidelines, 2015. Collection method: clinical testing. Allele origin: germline. Affected: no. Observed: 32 variant alleles.
Comment: This variant is classified as Benign based on local population frequency. This variant was detected in 33% of patients studied by a panel of primary immunodeficiencies. Number of patients: 32. Only high quality variants are reported.

NC_000015.10:g.38565430C>G

Variant type: single nucleotide variant.
Genome position: GRCh38 VCF-style: chr15-38565430-C-G. GRCh37 (hg19) VCF-style: chr15-38857631-C-G.
Identifiers: ClinVar variation 2637880 (VCV002637880.2), dbSNP rs60389828, ClinGen allele CA7471245.
Genomic context (GRCh38, chr15:38,565,430, plus strand): 5'-CCCTGCACCTTGGACGAGGGCTGCCTGTGTGGAGGTGCGCTCCACAGGCGTGATCCATAT[C>G]TGGCCCAGACGCGGCCGCCTGGCGTCGGTGGGTGTAGGAGATGTGGGGACAACTTTCATA-3'